The following is an entry in ClinVar:

ClinVar aggregate classification (germline): Uncertain significance (1 of 4 stars; one submission).

Allele frequency attached by ClinVar (database versions not stated): TOPMed below 0.00001; gnomAD 0.00001.
gnomAD v4.1: 1 of 1,614,040 alleles (0.000062%); highest among the groups gnomAD compares: Non-Finnish European, 0.000085%; no homozygotes.

Submission:

CeGaT Center for Human Genetics Tuebingen
Classification: Uncertain significance. Last evaluated: 2024-06-01. Review status: criteria provided, single submitter. Criteria: CeGaT Center For Human Genetics Tuebingen Variant Classification Criteria Version 2. Collection method: clinical testing. Allele origin: germline. Affected: yes. Observed: 1 variant allele.
Comment: HK1: PM2, PP3

NM_000188.3(HK1):c.792T>G (p.Phe264Leu)

Gene: HK1 (hexokinase 1; plus strand). Cytogenetic location: 10q22.1.
Variant type: single nucleotide variant.
Coding change: c.792T>G on transcript NM_000188.3 (MANE Select); coding-DNA position 792, T replaced by G.
Protein change: p.Phe264Leu; replaces phenylalanine 264 with leucine.
Molecular consequence: missense variant.
Genome position (GRCh38, 1-based): chr10:69,369,541, T>G. VCF-style: chr10-69369541-T-G. GRCh37 (hg19) VCF-style: chr10-71129297-T-G.
Other names: c.804T>G, p.Phe268Leu (NM_001322364.2, NM_001358263.1, NM_033497.3 and 1 more transcripts); c.897T>G, p.Phe299Leu (NM_001322365.2); c.708T>G, p.Phe236Leu (NM_001322366.1); c.696T>G, p.Phe232Leu (NM_001322367.1); c.789T>G, p.Phe263Leu (NM_033496.3); c.756T>G, p.Phe252Leu (NM_033500.2); short protein forms F232L, F236L, F252L, F263L, F264L, F268L, F299L.
Identifiers: ClinVar variation 3251120 (VCV003251120.18), dbSNP rs1849889494.